The following is an entry in ClinVar:

ClinVar aggregate classification (germline): Uncertain significance (1 of 4 stars; one submission).

Conditions:
Epilepsy, early-onset, vitamin B6-dependent. Also called: PLPBP Deficiency; EPILEPSY, EARLY-ONSET, 1, VITAMIN B6-DEPENDENT. Identifiers: MedGen C4310632, MONDO:0015005, OMIM 617290.

Submission:

Victorian Clinical Genetics Services, Murdoch Childrens Research Institute
Classification: Uncertain significance for Epilepsy, early-onset, vitamin B6-dependent. Last evaluated: 2020-05-25. Review status: criteria provided, single submitter. Criteria: ACMG Guidelines, 2015. Collection method: clinical testing. Allele origin: germline. Inheritance: Autosomal recessive inheritance.
Comment: Based on the classification scheme VCGS_Germline_v1.1.1, this variant is classified as VUS – 3B. Following criteria are met: 0102 - Loss-of-function is a known mechanism of disease for this gene. (N) 0106 - This gene is known to be associated with autosomal recessive disease. (N) 0200 - Variant is predicted to result in a missense amino acid change from arginine to glycine (exon 1). (N) 0251 - Variant is heterozygous. (N) 0301 - Variant is absent from gnomAD. (P) 0309 - An alternative amino acid change at the same position has been observed in gnomAD (4 heterozygotes, 0 homozygotes). (N) 0502 - Missense variant with conflicting in silico predictions and uninformative conservation. (N) 0504 - Same amino acid change has been observed in mammals. (N) 0600 - Variant is located in an annotated domain or motif (Alanine racemase domain; PDB). (N) 0705 - No comparable variants have previous evidence for pathogenicity. (N) 0807 - Variant has not previously been reported in a clinical context. (N) 0905 - No segregation evidence has been identified for this variant. (N) 1007 - No published functional evidence has been identified for this variant. (N) 1208 - Inheritance information for this variant is not currently available. (N) Legend: (P) - Pathogenic, (N) - Neutral, (B) - Benign

NM_007198.4(PLPBP):c.88C>G (p.Arg30Gly)

Genes: PLPBP (pyridoxal phosphate binding protein; plus strand), LOC113788277 (Sharpr-MPRA regulatory region 13802; plus strand). Cytogenetic location: 8p11.23.
Variant type: single nucleotide variant.
Coding change: c.88C>G on transcript NM_007198.4 (MANE Select); coding-DNA position 88, C replaced by G.
Protein change: p.Arg30Gly; replaces arginine 30 with glycine.
Molecular consequence: missense variant. On other transcripts: intron variant (1).
Genome position (GRCh38, 1-based): chr8:37,762,747, C>G. VCF-style: chr8-37762747-C-G. GRCh37 (hg19) VCF-style: chr8-37620265-C-G.
Other names: c.88C>G, p.Arg30Gly (NM_001349346.2, NM_001349347.2); c.193C>G, p.Arg65Gly (NM_001349349.1); c.-58+47C>G (NM_001349348.2); short protein forms R30G, R65G.
Identifiers: ClinVar variation 1805772 (VCV001805772.1), dbSNP rs754318639, ClinGen allele CA370665928.
Genomic context (GRCh38, chr8:37,762,747, plus strand): 5'-GAGCTGGGAGTCGGGTGCGCATTGCGGGCGGTGAACGAGCGCGTGCAGCAGGCTGTGGCG[C>G]GGCGGCCGCGGGTGAGGAAGGAGGCTGCGTGGGGACGGTGGGCGGCCGCCTTGAGAAGAG-3'
Protein context (NP_009129.1, residues 20-40): VNERVQQAVA[Arg30Gly]RPRDLPAIQP